The following is an entry in ClinVar:

ClinVar aggregate classification (germline): Uncertain significance (1 of 4 stars; one submission).

Allele frequency attached by ClinVar (database versions not stated): TOPMed below 0.00001; gnomAD 0.00001.
gnomAD v4.1: 1 of 1,613,640 alleles (0.000062%); highest among the groups gnomAD compares: Non-Finnish European, 0.000085%; no homozygotes.

Submission:

Labcorp Genetics (formerly Invitae), Labcorp
Classification: Uncertain significance. Last evaluated: 2021-08-03. Review status: criteria provided, single submitter. Criteria: Invitae Variant Classification Sherloc (09022015). Collection method: clinical testing. Allele origin: germline.
Comment: Algorithms developed to predict the effect of missense changes on protein structure and function output the following: SIFT: "Tolerated"; PolyPhen-2: "Benign"; Align-GVGD: "Class C0". The threonine amino acid residue is found in multiple mammalian species, which suggests that this missense change does not adversely affect protein function. In summary, the available evidence is currently insufficient to determine the role of this variant in disease. Therefore, it has been classified as a Variant of Uncertain Significance. This sequence change replaces isoleucine with threonine at codon 15 of the AK7 protein (p.Ile15Thr). The isoleucine residue is weakly conserved and there is a moderate physicochemical difference between isoleucine and threonine. This variant is not present in population databases (ExAC no frequency). This variant has not been reported in the literature in individuals affected with AK7-related conditions.

NM_152327.5(AK7):c.44T>C (p.Ile15Thr)

Gene: AK7 (adenylate kinase 7; plus strand). Cytogenetic location: 14q32.2.
Variant type: single nucleotide variant.
Coding change: c.44T>C on transcript NM_152327.5 (MANE Select); coding-DNA position 44, T replaced by C.
Protein change: p.Ile15Thr; replaces isoleucine 15 with threonine.
Molecular consequence: missense variant.
Genome position (GRCh38, 1-based): chr14:96,392,198, T>C. VCF-style: chr14-96392198-T-C. GRCh37 (hg19) VCF-style: chr14-96858535-T-C.
Other names: c.44T>C, p.Ile15Thr (NM_001350888.2, NM_001350890.2, NM_001350891.2 and 1 more transcripts); short protein forms I15T.
Identifiers: ClinVar variation 1372247 (VCV001372247.6), dbSNP rs1201579261, ClinGen allele CA390911046.
Genomic context (GRCh38, chr14:96,392,198, plus strand): 5'-CCAGCGCGGCTCCCACCATGGCTGAAGAAGAGGAAACTGCTGCTCTCACGGAGAAGGTTA[T>C]CCGGACCCAGAGGGTGTTTATAAACCTGTTGGATTCCTACAGCAGCGGAAACATCGGGAA-3'
Protein context (NP_689540.2, residues 5-25): EETAALTEKV[Ile15Thr]RTQRVFINLL